The following is an entry in ClinVar:

ClinVar aggregate classification (germline): Likely benign (1 of 4 stars; one submission).

gnomAD v4.1: 2 of 1,612,702 alleles (0.00012%); highest among the groups gnomAD compares: Non-Finnish European, 0.00017%; no homozygotes.

Submission:

GeneDx
Classification: Likely benign. Last evaluated: 2016-05-05. Review status: criteria provided, single submitter. Criteria: GeneDx Variant Classification (06012015). Collection method: clinical testing. Allele origin: germline. Affected: yes.
Comment: This variant is considered likely benign or benign based on one or more of the following criteria: it is a conservative change, it occurs at a poorly conserved position in the protein, it is predicted to be benign by multiple in silico algorithms, and/or has population frequency not consistent with disease.

NM_001378120.1(MBD5):c.102G>T (p.Val34=)

Gene: MBD5 (methyl-CpG binding domain protein 5; plus strand). Cytogenetic location: 2q23.1.
Variant type: single nucleotide variant.
Coding change: c.102G>T on transcript NM_001378120.1 (MANE Select); coding-DNA position 102, G replaced by T.
Protein change: p.Val34=; no amino-acid change (valine 34 retained).
Molecular consequence: synonymous variant.
Genome position (GRCh38, 1-based): chr2:148,458,860, G>T. VCF-style: chr2-148458860-G-T. GRCh37 (hg19) VCF-style: chr2-149216429-G-T.
Other names: c.102G>T, p.Val34= (NM_018328.5).
Identifiers: ClinVar variation 385757 (VCV000385757.1), dbSNP rs1057522320, ClinGen allele CA16603900.